The following is an entry in ClinVar:

NM_006922.4(SCN3A):c.2250A>T (p.Lys750Asn)

Gene: SCN3A (sodium voltage-gated channel alpha subunit 3; minus strand). Cytogenetic location: 2q24.3.
Variant type: single nucleotide variant.
Coding change: c.2250A>T on transcript NM_006922.4 (MANE Select); coding-DNA position 2250, A replaced by T.
Protein change: p.Lys750Asn; replaces lysine 750 with asparagine.
Molecular consequence: missense variant.
Genome position (GRCh38, 1-based): chr2:165,138,020, T>A on the plus strand (A>T on the coding strand, the complement: SCN3A is on the minus strand). VCF-style: chr2-165138020-T-A. GRCh37 (hg19) VCF-style: chr2-165994530-T-A.
Other names: c.2103A>T, p.Lys701Asn (NM_001081676.2, NM_001081677.2); short protein forms K750N, K701N.
Identifiers: ClinVar variation 1995287 (VCV001995287.4), dbSNP rs756527147, ClinGen allele CA349045252.

ClinVar aggregate classification (germline): Uncertain significance (1 of 4 stars; one submission).

Submission:

Labcorp Genetics (formerly Invitae), Labcorp
Classification: Uncertain significance. Last evaluated: 2022-05-16. Review status: criteria provided, single submitter. Criteria: Invitae Variant Classification Sherloc (09022015). Collection method: clinical testing. Allele origin: germline.
Comment: In summary, the available evidence is currently insufficient to determine the role of this variant in disease. Therefore, it has been classified as a Variant of Uncertain Significance. Algorithms developed to predict the effect of missense changes on protein structure and function are either unavailable or do not agree on the potential impact of this missense change (SIFT: "Deleterious"; PolyPhen-2: "Probably Damaging"; Align-GVGD: "Class C0"). This variant has not been reported in the literature in individuals affected with SCN3A-related conditions. This variant is not present in population databases (gnomAD no frequency). This sequence change replaces lysine, which is basic and polar, with asparagine, which is neutral and polar, at codon 750 of the SCN3A protein (p.Lys750Asn).